The following is an entry in ClinVar:

ClinVar aggregate classification (germline): Pathogenic. Review status: criteria provided, multiple submitters, no conflicts (2 of 4 stars). 18 submissions from 18 submitters: Pathogenic (15). 3 of the submissions do not count toward it. Last evaluated 2026-03-02.

Conditions:
SDHB-related disorder. Also called: SDHB-related condition; SDHB-related disorders. Identifiers: MedGen CN239418.
Pheochromocytoma/paraganglioma syndrome 4. Also called: SDHB-Related Hereditary Paraganglioma-Pheochromocytoma Syndrome (Paragangliomas 4); SDHB-Related Hereditary Paraganglioma-Pheochromocytoma Syndrome; CAROTID BODY TUMORS AND MULTIPLE EXTRAADRENAL PHEOCHROMOCYTOMAS; PARAGANGLIOMA, FAMILIAL MALIGNANT; PARAGANGLIOMAS, HEREDITARY EXTRAADRENAL; PHEOCHROMOCYTOMA, FAMILIAL EXTRAADRENAL. Identifiers: Orphanet 29072, MedGen C1861848, MONDO:0007273, OMIM 115310.
Pheochromocytoma. Also called: MAX-Related Hereditary Paraganglioma-Pheochromocytoma Syndrome. Identifiers: Orphanet 29072, MedGen C0031511, MONDO:0008233, OMIM 171300, HP:0002666.
Gastrointestinal stromal tumor. Also called: Gastrointestinal stromal tumor, somatic; Gastrointestinal stroma tumor. Identifiers: Orphanet 44890, MedGen C0238198, MeSH D046152, MONDO:0011719, OMIM 606764, HP:0100723.
Hereditary cancer-predisposing syndrome. Also called: Tumor predisposition; Neoplastic Syndromes, Hereditary; Hereditary Cancer Syndrome; Hereditary neoplastic syndrome. Identifiers: Orphanet 140162, MedGen C0027672, MeSH D009386, MONDO:0015356.
Hereditary pheochromocytoma and paraganglioma. Also called: Hereditary paragangliomas and pheochromocytomas; Hereditary Paraganglioma-Pheochromocytoma Syndromes; Hereditary pheochromocytoma-paraganglioma. Identifiers: Orphanet 29072, MedGen C4274332, MONDO:0017366.

Allele frequency attached by ClinVar (database versions not stated): gnomAD exomes below 0.00001 and 0.00001; ExAC 0.00002.
gnomAD v4.1: 2 of 1,614,078 alleles (0.00012%); highest among the groups gnomAD compares: Non-Finnish European, 0.00017%; no homozygotes.

Submissions 1 to 13 of 18:

Dasa
Classification: Pathogenic. Last evaluated: 2026-03-02. Review status: criteria provided, single submitter. Criteria: DASA Assertion Criteria. Collection method: clinical testing. Allele origin: germline.
Comment: NM_003000.3(SDHB):c.343C>T (p.Arg115*) introduces a premature termination codon predicted to result in loss of normal protein function. Loss-of-function is an established mechanism of disease for this gene. This variant has been recurrently observed in individuals with related phenotype (PMID: 16405730; PMID: 24523625; PMID: 25047027; PMID: 28490599). Segregation evidence has been reported in affected families. The variant is present at low frequency in population datasets. Based on the available data, this variant is classified as pathogenic.

Center for Genomic Medicine, Rigshospitalet, Copenhagen University Hospital
Classification: Pathogenic. Last evaluated: 2025-12-29. Review status: criteria provided, single submitter. Criteria: ACMG Guidelines, 2015. Collection method: clinical testing. Allele origin: germline.

Myriad Genetics, Inc.
Classification: Pathogenic for Pheochromocytoma/paraganglioma syndrome 4. Last evaluated: 2025-03-21. Review status: criteria provided, single submitter. Criteria: Myriad Autosomal Dominant, Autosomal Recessive and X-Linked Classification Criteria (2023). Collection method: clinical testing. Allele origin: unknown.
Comment: This variant is considered pathogenic. This variant creates a termination codon and is predicted to result in premature protein truncation.

Ambry Genetics
Classification: Pathogenic for Hereditary cancer-predisposing syndrome. Last evaluated: 2024-11-13. Review status: criteria provided, single submitter. Criteria: Ambry Variant Classification Scheme 2023. Collection method: clinical testing. Allele origin: germline.
Comment: The p.R115* pathogenic mutation (also known as c.343C>T), located in coding exon 4 of the SDHB gene, results from a C to T substitution at nucleotide position 343. This changes the amino acid from an arginine to a stop codon within coding exon 4. This mutation has been reported in multiple patients with a personal history of paraganglioma and/or pheochromocytoma (Ambry internal data; Bayley JP et al. BMC Med. Genet., 2006 Jan;7:1; van Hulsteijn LT et al. Fam. Cancer, 2014 Dec;13:651-7; Martucci VL et al. Urol. Oncol., 2015 Apr;33:167.e13-20; Janssen I et al. Clin. Cancer Res., 2015 Sep;21:3888-95; Jochmanova I et al. J. Cancer Res. Clin. Oncol., 2017 Aug;143:1421-1435; Niemeijer ND et al. Eur. J. Endocrinol., 2017 Aug;177:115-125; Andrews KA et al. J. Med. Genet., 2018 06;55:384-394; Benn DE et al. J. Med. Genet., 2018 11;55:729-734; Huang Y et al. Endocr Connect, 2018 Dec;7:1217-1225; Richter S et al. Genet. Med., 2019 03;21:705-717). In addition to the clinical data presented in the literature, this alteration is expected to result in loss of function by premature protein truncation or nonsense-mediated mRNA decay. As such, this alteration is interpreted as a disease-causing mutation.

Labcorp Genetics (formerly Invitae), Labcorp
Classification: Pathogenic for Gastrointestinal stromal tumor; Pheochromocytoma/paraganglioma syndrome 4; Pheochromocytoma. Last evaluated: 2024-11-13. Review status: criteria provided, single submitter. Criteria: Invitae Variant Classification Sherloc (09022015). Collection method: clinical testing. Allele origin: germline.
Comment: This sequence change creates a premature translational stop signal (p.Arg115*) in the SDHB gene. It is expected to result in an absent or disrupted protein product. Loss-of-function variants in SDHB are known to be pathogenic (PMID: 19454582, 19802898). This variant is present in population databases (rs751000085, gnomAD 0.002%). This premature translational stop signal has been observed in individuals with paraganglioma and/or pheochromocytoma (PMID: 16405730, 21348866, 24523625, 25047027, 28490599). ClinVar contains an entry for this variant (Variation ID: 197210). RNA analysis performed to evaluate the impact of this premature translational stop signal on mRNA splicing indicates it does not significantly alter splicing (internal data). For these reasons, this variant has been classified as Pathogenic.

Molecular Pathology, Peter Maccallum Cancer Centre
Classification: Pathogenic for Pheochromocytoma/paraganglioma syndrome 4. Last evaluated: 2024-10-31. Review status: criteria provided, single submitter. Criteria: ACMG Guidelines, 2015. Collection method: clinical testing. Allele origin: germline. Inheritance: Autosomal dominant inheritance.

All of Us Research Program, National Institutes of Health
Classification: Pathogenic for Hereditary pheochromocytoma and paraganglioma. Last evaluated: 2024-08-07. Review status: criteria provided, single submitter. Criteria: ACMG Guidelines, 2015. Collection method: clinical testing. Allele origin: germline. Inheritance: Autosomal dominant inheritance. Observed: 1 variant allele, 1 heterozygote.
Comment: The c.343C>T (p.Arg115*) variant in the SDHB gene is located on the exon 4 and introduces a premature translation termination codon (p.Arg115*), resulting in an absent or disrupted protein product. The variant has been reported in multiple unrelated individuals with paragangliomas/pheochromocytoma (PMID: 30352407, 28490599, 31666924, 29386252, 32688340). Loss-of-function variants of SDHB are known to be pathogenic (PMID: 16258955, 19389109, 28490599). The variant is reported in ClinVar (ID: 197210). The variant is rare in general population according to gnomAD (2/251464). Therefore, the c.343C>T (p.Arg115*) variant of SDHB has been classified as pathogenic.

This study involves interpretation of variants in research participants for the purpose of population health screening. Participant phenotype was not available at the time of variant classification. Additional details can be found in publication PMID: 35346344, PMCID: PMC8962531

GeneDx
Classification: Pathogenic. Last evaluated: 2023-08-09. Review status: criteria provided, single submitter. Criteria: GeneDx Variant Classification Process June 2021. Collection method: clinical testing. Allele origin: germline. Affected: yes.
Comment: Nonsense variant predicted to result in protein truncation or nonsense mediated decay in a gene for which loss-of-function is a known mechanism of disease; Not observed at significant frequency in large population cohorts (gnomAD); This variant is associated with the following publications: (PMID: 24523625, 17200167, 25525159, 16317055, 25873086, 28503760, 21348866, 25683602, 28490599, 30352407, 31666924, 31447099, 32741965, 16405730, 35668420, 30050099, 32688340)

Baylor Genetics
Classification: Pathogenic for Gastrointestinal stromal tumor. Last evaluated: 2023-02-19. Review status: criteria provided, single submitter. Criteria: ACMG Guidelines, 2015. Collection method: clinical testing. Allele origin: unknown.

Clinical Genetics Laboratory, Skane University Hospital Lund
Classification: Pathogenic. Last evaluated: 2022-07-13. Review status: criteria provided, single submitter. Criteria: ACMG Guidelines, 2015. Collection method: clinical testing. Allele origin: germline. Affected: yes.

Johns Hopkins Genomics, Johns Hopkins University
Classification: Pathogenic for Pheochromocytoma/paraganglioma syndrome 4. Last evaluated: 2021-05-23. Review status: criteria provided, single submitter. Criteria: ACMG Guidelines, 2015. Collection method: clinical testing. Allele origin: germline.

Women's Health and Genetics/Laboratory Corporation of America, LabCorp
Classification: Pathogenic for Hereditary pheochromocytoma and paraganglioma. Last evaluated: 2021-05-11. Review status: criteria provided, single submitter. Criteria: LabCorp Variant Classification Summary - May 2015. Collection method: clinical testing. Allele origin: germline.
Comment: Variant summary: SDHB c.343C>T (p.Arg115X) results in a premature termination codon, predicted to cause a truncation of the encoded protein or absence of the protein due to nonsense mediated decay, which are commonly known mechanisms for disease. The variant allele was found at a frequency of 8e-06 in 251464 control chromosomes (gnomAD). c.343C>T has been reported in the literature in multiple individuals affected with Hereditary Paraganglioma-Pheochromocytoma Syndrome (e.g. Bayley_2006, Benn_2006, Timmers_2007, Guan_2015, Richter_2019). These data indicate that the variant is very likely to be associated with disease. To our knowledge, no experimental evidence demonstrating an impact on protein function has been reported. Three ClinVar submitters (evaluation after 2014) cite the variant as pathogenic. Based on the evidence outlined above, the variant was classified as pathogenic.

Blueprint Genetics
Classification: Pathogenic for SDHB-related disorders. Last evaluated: 2021-04-30. Review status: criteria provided, single submitter. Criteria: ACMG Guidelines, 2015. Collection method: clinical testing. Allele origin: germline. Affected: yes. Observed: 4 variant alleles.

NM_003000.3(SDHB):c.343C>T (p.Arg115Ter)

Gene: SDHB (succinate dehydrogenase complex iron sulfur subunit B; minus strand). Cytogenetic location: 1p36.13.
Variant type: single nucleotide variant.
Coding change: c.343C>T on transcript NM_003000.3 (MANE Select); coding-DNA position 343, C replaced by T.
Protein change: p.Arg115Ter; replaces arginine 115 with a stop codon.
Molecular consequence: nonsense.
Genome position (GRCh38, 1-based): chr1:17,028,680, G>A on the plus strand (C>T on the coding strand, the complement: SDHB is on the minus strand). VCF-style: chr1-17028680-G-A. GRCh37 (hg19) VCF-style: chr1-17355175-G-A.
Other names: short protein forms R115*.
Identifiers: ClinVar variation 197210 (VCV000197210.37), dbSNP rs751000085, ClinGen allele CA015763.